The following is an entry in ClinVar:

NM_001330078.2(NRXN1):c.2479G>T (p.Asp827Tyr)

Gene: NRXN1 (neurexin 1; minus strand). Cytogenetic location: 2p16.3.
Variant type: single nucleotide variant.
Coding change: c.2479G>T on transcript NM_001330078.2 (MANE Select); coding-DNA position 2479, G replaced by T.
Protein change: p.Asp827Tyr; replaces aspartic acid 827 with tyrosine.
Molecular consequence: missense variant.
Genome position (GRCh38, 1-based): chr2:50,506,513, C>A on the plus strand (G>T on the coding strand, the complement: NRXN1 is on the minus strand). VCF-style: chr2-50506513-C-A. GRCh37 (hg19) VCF-style: chr2-50733651-C-A.
Other names: c.2599G>T (NM_001135659.1); c.2599G>T, p.Asp867Tyr (NM_001135659.3); c.2455G>T, p.Asp819Tyr (NM_001330077.2, NM_001330082.2); c.2413G>T, p.Asp805Tyr (NM_001330083.2, NM_001330084.2); c.2452G>T, p.Asp818Tyr (NM_001330085.2); c.2479G>T, p.Asp827Tyr (NM_001330086.2, NM_004801.6); c.2368G>T, p.Asp790Tyr (NM_001330087.2, NM_001330096.2); c.2398G>T, p.Asp800Tyr (NM_001330088.2); and 3 more; short protein forms D790Y, D800Y, D805Y, D810Y, D818Y, D819Y, D823Y, D826Y.
Identifiers: ClinVar variation 1007063 (VCV001007063.9), dbSNP rs971099049, ClinGen allele CA47370170.

ClinVar aggregate classification (germline): Uncertain significance. Review status: criteria provided, multiple submitters, no conflicts (2 of 4 stars). 2 submissions from 2 submitters: Uncertain significance (2). Last evaluated 2025-01-11.

Conditions:
Inborn genetic diseases. Identifiers: MedGen C0950123, MeSH D030342.
Pitt-Hopkins-like syndrome 2 (PTHSL2). Identifiers: Orphanet 221150, Orphanet 600663, MedGen C3280479, MONDO:0013690, OMIM 614325.

Allele frequency attached by ClinVar (database versions not stated): TOPMed below 0.00001; gnomAD 0.00001.
gnomAD v4.1: 7 of 1,612,776 alleles (0.00043%); highest among the groups gnomAD compares: Non-Finnish European, 0.00059%; no homozygotes.

Submissions (2):

Labcorp Genetics (formerly Invitae), Labcorp
Classification: Uncertain significance for Pitt-Hopkins-like syndrome 2. Last evaluated: 2025-01-11. Review status: criteria provided, single submitter. Criteria: Invitae Variant Classification Sherloc (09022015). Collection method: clinical testing. Allele origin: germline.
Comment: This sequence change replaces aspartic acid, which is acidic and polar, with tyrosine, which is neutral and polar, at codon 867 of the NRXN1 protein (p.Asp867Tyr). This variant is not present in population databases (gnomAD no frequency). This variant has not been reported in the literature in individuals affected with NRXN1-related conditions. ClinVar contains an entry for this variant (Variation ID: 1007063). An algorithm developed to predict the effect of missense changes on protein structure and function (PolyPhen-2) suggests that this variant is likely to be disruptive. In summary, the available evidence is currently insufficient to determine the role of this variant in disease. Therefore, it has been classified as a Variant of Uncertain Significance.

Ambry Genetics
Classification: Uncertain significance for Inborn genetic diseases. Last evaluated: 2022-08-17. Review status: criteria provided, single submitter. Criteria: Ambry Variant Classification Scheme 2023. Collection method: clinical testing. Allele origin: germline.